The following continues an entry in ClinVar:

NM_058216.3(RAD51C):c.790G>A (p.Gly264Ser)

Gene: RAD51C. ClinVar aggregate classification (germline): Conflicting classifications of pathogenicity. Uncertain significance (3); Benign (9); Likely benign (12).

Submissions 22 to 34 of 34:

Illumina Laboratory Services, Illumina
Classification: Uncertain significance for Breast-ovarian cancer, familial, susceptibility to, 3. Last evaluated: 2017-12-18. Review status: criteria provided, single submitter. Criteria: ICSL Variant Classification Criteria 13 December 2019. Collection method: clinical testing. Allele origin: germline.
Comment: This variant was observed as part of a predisposition screen in an ostensibly healthy population. A literature search was performed for the gene, cDNA change, and amino acid change (where applicable). Publications were found based on this search. However, the evidence from the literature, in combination with allele frequency data from public databases where available, was not sufficient to rule this variant in or out of causing disease. Therefore, this variant is classified as a variant of unknown significance.

Women's Health and Genetics/Laboratory Corporation of America, LabCorp
Classification: Benign. Last evaluated: 2017-04-20. Review status: criteria provided, single submitter. Criteria: LabCorp Variant Classification Summary - May 2015. Collection method: clinical testing. Allele origin: germline.
Comment: Variant summary: The c.790G>A (p.Gly264Ser) in RAD51C gene is a missense change that involves a conserved nucleotide. The variant is located within the conserved domain Rad51_DMC1_radA, but is located outside of multimer (BRC) interface. 3/4 in silico tools predict deleterious outcome and in functional studies the variant displayed hypomorphic effects with partial repair function and partially defective homologous recombination activity.(Meindl, 2010; Somyajit, 2012; Somyajit, 2015). The variant is present in the large control population dataset of ExAC and gnomAD at a similar frequencies of 0.001853 (225/121398 and 483/277178 chrs tested, respectively), predominantly in individuals of European descent (0.003410; 207/66736 and 432/126686 chrs tested), including 2 homozygotes. These frequencies exceed the maximal expected frequency of a pathogenic allele (0.0000625) in this gene. However, this variant has been cited in breast and ovarian cancer patients at greater frequency than in controls, and several publications indicate that this variant is an ovarian cancer risk allele (Song et al 2015, Loveday at al 2012, Meindl et al 2010). The odd's ratios calculated for its association with cancer across multiple independent studies have been in the range of 1.9-4, with the 95% CI including 1.0, example, OR 1.93 across all breast cancer cases with a CI of 0.5-7.46 as reported by Pelttari et al (2011). According to the ACMG guidelines if the CI includes 1.0, there is little confidence in the assertion of association. The guidelines state that studies with OR>5.0 and where the 95% CI does not include 1.0 are considered as strong evidence in favor of pathogenicity. The variant has been reported in probands from multiple HBOC families, including 3 families tested positive for disease-causing mutation in BRCA1 (p.Tyr1463Ter), BRCA2 (c.8632+1G>T) or BRCA2 (p.Lys944Ter), respectively. Lastly, several reputable databases/clinical laboratories cite the variant with classification of Benign/Likely Benign. Taking all line of evidence into consideration, the variant was conservatively classified as Benign.

Color Diagnostics, LLC DBA Color Health
Classification: Benign for Hereditary cancer-predisposing syndrome. Last evaluated: 2015-11-05. Review status: criteria provided, single submitter. Criteria: ACMG Guidelines, 2015. Collection method: clinical testing. Allele origin: germline.

Institute for Biomarker Research, Medical Diagnostic Laboratories, L.L.C.
Classification: Uncertain significance for Hereditary breast ovarian cancer syndrome. Last evaluated: 2021-09-27. Review status: no assertion criteria provided. Collection method: clinical testing. Allele origin: germline. Not counted in ClinVar's aggregate classification.

PreventionGenetics, part of Exact Sciences
Classification: Likely benign for RAD51C-related condition. Last evaluated: 2020-09-15. Review status: no assertion criteria provided. Collection method: clinical testing. Allele origin: germline. Not counted in ClinVar's aggregate classification.
Comment: This variant is classified as likely benign based on ACMG/AMP sequence variant interpretation guidelines (Richards et al. 2015 PMID: 25741868, with internal and published modifications).

True Health Diagnostics
Classification: Uncertain significance for Hereditary cancer-predisposing syndrome. Last evaluated: 2017-07-21. Review status: no assertion criteria provided. Collection method: clinical testing. Allele origin: germline. Not counted in ClinVar's aggregate classification.

Counsyl
Classification: Likely benign for Fanconi anemia complementation group O; Breast-ovarian cancer, familial, susceptibility to, 3. Last evaluated: 2017-06-29. Review status: no assertion criteria provided. Collection method: clinical testing. Allele origin: unknown. Not counted in ClinVar's aggregate classification.

Clinical Genetics DNA and cytogenetics Diagnostics Lab, Erasmus MC, Erasmus Medical Center
Classification: Likely benign. Review status: no assertion criteria provided. Collection method: clinical testing. Allele origin: germline. Affected: yes. Study: VKGL Data-share Consensus. Not counted in ClinVar's aggregate classification.

Clinical Genetics Laboratory, Department of Pathology, Netherlands Cancer Institute
Classification: Likely benign. Review status: no assertion criteria provided. Collection method: clinical testing. Allele origin: germline. Affected: yes. Study: VKGL Data-share Consensus. Not counted in ClinVar's aggregate classification.

Department of Pathology and Laboratory Medicine, Sinai Health System
Classification: Likely benign for breast cancer. Review status: no assertion criteria provided. Collection method: clinical testing. Allele origin: unknown. Affected: yes. Study: The Canadian Open Genetics Repository (COGR). Not counted in ClinVar's aggregate classification.
Comment: The RAD51C p.Gly264Ser variant was identified in 95 of 24,640 proband chromosomes (frequency: 0.004) from individuals or families with endometrial, pancreatic, colorectal, breast or ovarian cancer and was present in 40 of 16846 control chromosomes (frequency: 0.002) from healthy individuals (Meindl 2009, Vuorela 2011, Thompson 2012, Schekenbach 2014, Song 2015, Leeneer 2012, Loveday 2012, Coulet 2013, Cunningham 2014, Gevensleben 2014, Hu 2016, Jonson 2015 26740214, Ring 2016, Pearlman 2017). The variant was also identified in dbSNP (rs147241704) as 'Auwith other allele'Au, ClinVar (classified as uncertain significance by PreventionGenetics and 7 other submitters; as likely benign by Ambry Genetics, GeneDx, Counsyl and 4 other submitters; and as benign by Color, Invitae and Integrated Genetics) and LOVD 3.0 (observed 14x). The variant was identified in control databases in 459 of 268,284 chromosomes (2 homozygous) at a frequency of 0.002 (Genome Aggregation Database Feb 27, 2017). The variant was observed in the following populations: European in 404 of 118,138 chromosomes (freq: 0.003, increasing the likelihood that this is a low frequency benign variant), Other in 13 of 6704 chromosomes (freq: 0.002), Finnish in 19 of 25,102 chromosomes (freq: 0.0008), African in 14 of 23,600 chromosomes (freq: 0.0006), Ashkenazi Jewish in 3 of 9860 chromosomes (freq: 0.0003), South Asian in 4 of 30,522 chromosomes (freq: 0.0001), and Latino in 2 of 35,106 chromosomes (freq: 0.00006); it was not observed in the East Asian population. The Gly264Ser variant showed some evidence of association with malignancies in the subgroup of hereditary breast and ovarian cancer families (odds ratio=3.44, confidence interval=1.51'Ai7.80, p=5.32*10'Ai3; Meindl 2009). In addition, expression of the variant only partially restored the MMC sensitivity of RAD51C DT40 cells compared to the wild-type cDNA, suggesting the possibility of a hypomorphic mutation with reduced protein activity (Meindl 2009, Somyajit 2012). However, this variant has been identified in multiple cases with co-occurring, pathogenic variants (BRCA1 p.Tyr1463*, BRCA2 c.8632+1G>T, and BRCA2 p.Lys944*; Integrated Genetics internal data per ClinVar submission dated 25 Jan 2018); this decreases the likelihood that this RAD51C variant has clinical significance. The p.Gly264 residue is conserved in mammals but not in more distantly related organisms however four out of five computational analyses (PolyPhen-2, SIFT, AlignGVGD, BLOSUM, MutationTaster) do not suggest a high likelihood of impact to the protein. The variant occurs outside of the splicing consensus sequence and 1 of 4 in silico or computational prediction software programs (SpliceSiteFinder, MaxEntScan, NNSPLICE, GeneSplicer) predict a greater than 10% difference in splicing. In summary, based on the above information, the clinical significance of this variant cannot be determined with certainty at this time although we would lean towards a more benign role for this variant. This variant is classified as likely benign.

Genome Diagnostics Laboratory, Amsterdam University Medical Center
Classification: Likely benign. Review status: no assertion criteria provided. Collection method: clinical testing. Allele origin: germline. Affected: yes. Study: VKGL Data-share Consensus. Not counted in ClinVar's aggregate classification.

Joint Genome Diagnostic Labs from Nijmegen and Maastricht, Radboudumc and MUMC+
Classification: Likely benign. Review status: no assertion criteria provided. Collection method: clinical testing. Allele origin: germline. Affected: yes. Study: VKGL Data-share Consensus. Not counted in ClinVar's aggregate classification.

Laboratory of Diagnostic Genome Analysis, Leiden University Medical Center (LUMC)
Classification: Likely benign. Review status: no assertion criteria provided. Collection method: clinical testing. Allele origin: germline. Affected: yes. Study: VKGL Data-share Consensus. Not counted in ClinVar's aggregate classification.

Literature cited by the submitters: PubMed 28829762 (cited by Quest Diagnostics Nichols Institute San Juan Capistrano); PubMed 29785153 (cited by Quest Diagnostics Nichols Institute San Juan Capistrano); PubMed 29458332 (cited by Quest Diagnostics Nichols Institute San Juan Capistrano); PubMed 26261251 (cited by 4 submitters); PubMed 30374176 (cited by Quest Diagnostics Nichols Institute San Juan Capistrano and Ambry Genetics); PubMed 34282249 (cited by Quest Diagnostics Nichols Institute San Juan Capistrano); PubMed 33939675 (cited by Quest Diagnostics Nichols Institute San Juan Capistrano); PubMed 35264596 (cited by Quest Diagnostics Nichols Institute San Juan Capistrano); PubMed 35534704 (cited by Quest Diagnostics Nichols Institute San Juan Capistrano); PubMed 35039523 (cited by Quest Diagnostics Nichols Institute San Juan Capistrano); PubMed 37253112 (cited by Quest Diagnostics Nichols Institute San Juan Capistrano); PubMed 27622768 (cited by 3 submitters); PubMed 27621404 (cited by Quest Diagnostics Nichols Institute San Juan Capistrano and Illumina Laboratory Services, Illumina); PubMed 27878467 (cited by Quest Diagnostics Nichols Institute San Juan Capistrano and Illumina Laboratory Services, Illumina); PubMed 26976419 (cited by Quest Diagnostics Nichols Institute San Juan Capistrano and Ambry Genetics); PubMed 20400964 (cited by 5 submitters); PubMed 21990120 (cited by 4 submitters); PubMed 21616938 (cited by 5 submitters); PubMed 22167183 (cited by 5 submitters); PubMed 24504028 (cited by 3 submitters); PubMed 26740214 (cited by 5 submitters); PubMed 26406419 (cited by 4 submitters); PubMed 27153395 (cited by 3 submitters); PubMed 28678401 (cited by Quest Diagnostics Nichols Institute San Juan Capistrano); PubMed 22370629 (cited by Quest Diagnostics Nichols Institute San Juan Capistrano and Ambry Genetics); PubMed 24315737 (cited by Quest Diagnostics Nichols Institute San Juan Capistrano and Women's Health and Genetics/Laboratory Corporation of America, LabCorp); PubMed 25085752 (cited by Myriad Genetics, Inc.); PubMed 21750962 (cited by Ambry Genetics and Counsyl); PubMed 22538716 (cited by 4 submitters); PubMed 22725699 (cited by Ambry Genetics); PubMed 24800917 (cited by Ambry Genetics and Counsyl); PubMed 24993905 (cited by Ambry Genetics); PubMed 25292178 (cited by Ambry Genetics and Women's Health and Genetics/Laboratory Corporation of America, LabCorp); PubMed 27978560 (cited by Women's Health and Genetics/Laboratory Corporation of America, LabCorp); PubMed 26483394 (cited by Women's Health and Genetics/Laboratory Corporation of America, LabCorp); PubMed 27443514 (cited by Women's Health and Genetics/Laboratory Corporation of America, LabCorp); PubMed 25470109 (cited by Counsyl).